The following is an entry in ClinVar:

NM_005144.5(HR):c.2238C>A (p.Asp746Glu)

Gene: HR (HR lysine demethylase and nuclear receptor corepressor; minus strand). Cytogenetic location: 8p21.3.
Variant type: single nucleotide variant.
Coding change: c.2238C>A on transcript NM_005144.5 (MANE Select); coding-DNA position 2238, C replaced by A.
Protein change: p.Asp746Glu; replaces aspartic acid 746 with glutamic acid.
Molecular consequence: missense variant.
Genome position (GRCh38, 1-based): chr8:22,121,194, G>T on the plus strand (C>A on the coding strand, the complement: HR is on the minus strand). VCF-style: chr8-22121194-G-T. GRCh37 (hg19) VCF-style: chr8-21978707-G-T.
Other names: c.2238C>A, p.Asp746Glu (NM_018411.4); short protein forms D746E.
Identifiers: ClinVar variation 3858646 (VCV003858646.2).

ClinVar aggregate classification (germline): Uncertain significance. Review status: criteria provided, multiple submitters, no conflicts (2 of 4 stars). 2 submissions from 2 submitters: Uncertain significance (2). Last evaluated 2025-10-28.

Conditions:
Inborn genetic diseases. Identifiers: MedGen C0950123, MeSH D030342.

gnomAD v4.1: 4 of 1,613,938 alleles (0.00025%); highest among the groups gnomAD compares: Non-Finnish European, 0.00034%; no homozygotes.

Submissions (2):

Labcorp Genetics (formerly Invitae), Labcorp
Classification: Uncertain significance. Last evaluated: 2025-10-28. Review status: criteria provided, single submitter. Criteria: Invitae Variant Classification Sherloc (09022015). Collection method: clinical testing. Allele origin: germline.
Comment: This sequence change replaces aspartic acid, which is acidic and polar, with glutamic acid, which is acidic and polar, at codon 746 of the HR protein (p.Asp746Glu). This variant is present in population databases (rs746916573, gnomAD 0.0009%). This variant has not been reported in the literature in individuals affected with HR-related conditions. ClinVar contains an entry for this variant (Variation ID: 3858646). An algorithm developed to predict the effect of missense changes on protein structure and function outputs the following: PolyPhen-2: "Benign". The glutamic acid amino acid residue is found in multiple mammalian species, which suggests that this missense change does not adversely affect protein function. In summary, the available evidence is currently insufficient to determine the role of this variant in disease. Therefore, it has been classified as a Variant of Uncertain Significance.

Ambry Genetics
Classification: Uncertain significance for Inborn genetic diseases. Last evaluated: 2024-12-11. Review status: criteria provided, single submitter. Criteria: Ambry Variant Classification Scheme 2023. Collection method: clinical testing. Allele origin: germline.